The following is an entry in ClinVar:

NM_001256007.3(PNPLA8):c.1062C>T (p.Ile354=)

Gene: PNPLA8 (patatin like domain 8, phospholipase A2; minus strand). Cytogenetic location: 7q31.1.
Variant type: single nucleotide variant.
Coding change: c.1062C>T on transcript NM_001256007.3 (MANE Select); coding-DNA position 1062, C replaced by T.
Protein change: p.Ile354=; no amino-acid change (isoleucine 354 retained).
Molecular consequence: synonymous variant.
Genome position (GRCh38, 1-based): chr7:108,514,288, G>A on the plus strand (C>T on the coding strand, the complement: PNPLA8 is on the minus strand). VCF-style: chr7-108514288-G-A. GRCh37 (hg19) VCF-style: chr7-108154732-G-A.
Other names: c.1062C>T, p.Ile354= (NM_001256008.3, NM_001256009.3, NM_015723.5); c.762C>T, p.Ile254= (NM_001256010.3, NM_001256011.3).
Identifiers: ClinVar variation 3053668 (VCV003053668.3), dbSNP rs1303304831, ClinGen allele CA457207264.

ClinVar aggregate classification (germline): Likely benign. Review status: criteria provided, single submitter (1 of 4 stars). 2 submissions from 2 submitters: Likely benign (1). 1 of the submissions does not count toward it. Last evaluated 2025-08-07.

Conditions:
PNPLA8-related disorder. Also called: PNPLA8-related condition.

Allele frequency attached by ClinVar (database versions not stated): gnomAD exomes 0.00001; gnomAD 0.00003; TOPMed 0.00005.
gnomAD v4.1: 18 of 1,608,032 alleles (0.0011%); highest among the groups gnomAD compares: African/African-American, 0.004%; no homozygotes.

Submissions (2):

Labcorp Genetics (formerly Invitae), Labcorp
Classification: Likely benign. Last evaluated: 2025-08-07. Review status: criteria provided, single submitter. Criteria: Invitae Variant Classification Sherloc (09022015). Collection method: clinical testing. Allele origin: germline.

PreventionGenetics, part of Exact Sciences
Classification: Likely benign for PNPLA8-related condition. Last evaluated: 2019-08-28. Review status: no assertion criteria provided. Collection method: clinical testing. Allele origin: germline. Not counted in ClinVar's aggregate classification.
Comment: This variant is classified as likely benign based on ACMG/AMP sequence variant interpretation guidelines (Richards et al. 2015 PMID: 25741868, with internal and published modifications).